The following is an entry in ClinVar:

ClinVar aggregate classification (germline): Likely benign. Review status: criteria provided, multiple submitters, no conflicts (2 of 4 stars). 7 submissions from 7 submitters: Likely benign (6). 1 of the submissions does not count toward it. Last evaluated 2026-03-01.

Conditions:
COL2A1-related disorder. Also called: COL2A1-related condition; COL2A1-related disorders.

Allele frequency attached by ClinVar (database versions not stated): gnomAD 0.00085 and 0.00090; ESP Exome Variant Server 0.00092; TOPMed 0.00098; 1000 Genomes Project 30x 0.00125; 1000 Genomes Project 0.00140.

Submissions (7):

CeGaT Center for Human Genetics Tuebingen
Classification: Likely benign. Last evaluated: 2026-03-01. Review status: criteria provided, single submitter. Criteria: CeGaT Center For Human Genetics Tuebingen Variant Classification Criteria Version 2. Collection method: clinical testing. Allele origin: germline. Affected: yes. Observed: 1 variant allele.
Comment: COL2A1: BS1

Labcorp Genetics (formerly Invitae), Labcorp
Classification: Likely benign. Last evaluated: 2026-02-01. Review status: criteria provided, single submitter. Criteria: Invitae Variant Classification Sherloc (09022015). Collection method: clinical testing. Allele origin: germline.

ARUP Laboratories, Molecular Genetics and Genomics, ARUP Laboratories
Classification: Likely benign. Last evaluated: 2025-06-20. Review status: criteria provided, single submitter. Criteria: ARUP Molecular Germline Variant Investigation Process 2024. Collection method: clinical testing. Allele origin: germline.

Blueprint Genetics
Classification: Likely benign. Last evaluated: 2024-06-24. Review status: criteria provided, single submitter. Criteria: ACMG Guidelines, 2015. Collection method: clinical testing. Allele origin: germline.

GeneDx
Classification: Likely benign. Last evaluated: 2020-11-24. Review status: criteria provided, single submitter. Criteria: GeneDx Variant Classification Process June 2021. Collection method: clinical testing. Allele origin: germline. Affected: yes.

Eurofins Ntd Llc (ga)
Classification: Likely benign. Last evaluated: 2017-06-08. Review status: criteria provided, single submitter. Criteria: EGL Classification Definitions 2015. Collection method: clinical testing. Allele origin: germline. Observed: 1 variant allele, 1 heterozygote.

PreventionGenetics, part of Exact Sciences
Classification: Likely benign for COL2A1-related condition. Last evaluated: 2019-08-28. Review status: no assertion criteria provided. Collection method: clinical testing. Allele origin: germline. Not counted in ClinVar's aggregate classification.
Comment: This variant is classified as likely benign based on ACMG/AMP sequence variant interpretation guidelines (Richards et al. 2015 PMID: 25741868, with internal and published modifications).

NM_001844.5(COL2A1):c.2831C>T (p.Pro944Leu)

Gene: COL2A1 (collagen type II alpha 1 chain; minus strand). Cytogenetic location: 12q13.11.
Variant type: single nucleotide variant.
Coding change: c.2831C>T on transcript NM_001844.5 (MANE Select); coding-DNA position 2831, C replaced by T.
Protein change: p.Pro944Leu; replaces proline 944 with leucine.
Molecular consequence: missense variant.
Genome position (GRCh38, 1-based): chr12:47,978,661, G>A on the plus strand (C>T on the coding strand, the complement: COL2A1 is on the minus strand). VCF-style: chr12-47978661-G-A. GRCh37 (hg19) VCF-style: chr12-48372444-G-A.
Other names: c.2624C>T, p.Pro875Leu (NM_033150.3); short protein forms P944L, P875L.
Identifiers: ClinVar variation 439512 (VCV000439512.34), dbSNP rs140368756, ClinGen allele CA6534975.